The following is an entry in ClinVar:

ClinVar aggregate classification (germline): Conflicting classifications of pathogenicity. Review status: criteria provided, conflicting classifications (1 of 4 stars). 9 submissions from 9 submitters: Uncertain significance (2); Likely benign (5). 2 of the submissions do not count toward it. Last evaluated 2026-01-25.

Conditions:
Inborn genetic diseases. Identifiers: MedGen C0950123, MeSH D030342.
SBF2-related disorder. Also called: SBF2-related condition.
Charcot-Marie-Tooth disease. Also called: Charcot-Marie-Tooth Neuropathy; Charcot-Marie-Tooth Hereditary Neuropathy. Identifiers: Orphanet 166, MedGen C0007959, MONDO:0015626.
Charcot-Marie-Tooth disease type 4. Also called: Charcot-Marie-Tooth disease, type IV; Charcot-Marie-Tooth, Type 4. Identifiers: Orphanet 64749, MedGen C4082197, MONDO:0018995.
Charcot-Marie-Tooth disease type 4B2. Also called: Charcot-Marie-Tooth Neuropathy Type 4B2; CHARCOT-MARIE-TOOTH DISEASE, WITH FOCALLY FOLDED MYELIN SHEATHS, AUTOSOMAL RECESSIVE, TYPE 4B2; CMT 4B2; CHARCOT-MARIE-TOOTH DISEASE, DEMYELINATING, TYPE 4B2. Identifiers: Orphanet 99956, MedGen C1858278, MONDO:0011475, OMIM 604563.
Tip-toe gait. Also called: Toe walking. Identifiers: MedGen C0427144, HP:0030051.

Allele frequency attached by ClinVar (database versions not stated): gnomAD exomes 0.00036 and 0.00081; TOPMed 0.00045; ESP Exome Variant Server 0.00038; gnomAD 0.00044 and 0.00046; ExAC 0.00062.
gnomAD v4.1: 628 of 1,614,010 alleles (0.039%); highest among the groups gnomAD compares: Non-Finnish European, 0.0047%; 5 homozygotes.

Submissions (9):

Labcorp Genetics (formerly Invitae), Labcorp
Classification: Likely benign for Charcot-Marie-Tooth disease type 4. Last evaluated: 2026-01-25. Review status: criteria provided, single submitter. Criteria: Invitae Variant Classification Sherloc (09022015). Collection method: clinical testing. Allele origin: germline.

GeneDx
Classification: Likely benign. Last evaluated: 2021-05-28. Review status: criteria provided, single submitter. Criteria: GeneDx Variant Classification Process June 2021. Collection method: clinical testing. Allele origin: germline. Affected: yes.
Comment: This variant is associated with the following publications: (PMID: 32376792)

Ambry Genetics
Classification: Likely benign for Inborn genetic diseases. Last evaluated: 2019-10-30. Review status: criteria provided, single submitter. Criteria: Ambry Variant Classification Scheme 2023. Collection method: clinical testing. Allele origin: germline.

ARUP Laboratories, Molecular Genetics and Genomics, ARUP Laboratories
Classification: Likely benign for Charcot-Marie-Tooth disease type 4B2. Last evaluated: 2018-10-08. Review status: criteria provided, single submitter. Criteria: ARUP Molecular Germline Variant Investigation Process. Collection method: clinical testing. Allele origin: germline.

Illumina Laboratory Services, Illumina
Classification: Uncertain significance for Charcot-Marie-Tooth disease type 4B2. Last evaluated: 2018-01-12. Review status: criteria provided, single submitter. Criteria: ICSL Variant Classification Criteria 13 December 2019. Collection method: clinical testing. Allele origin: germline.

Eurofins Ntd Llc (ga)
Classification: Uncertain significance. Last evaluated: 2016-09-07. Review status: criteria provided, single submitter. Criteria: EGL Classification Definitions 2015. Collection method: clinical testing. Allele origin: germline. Observed: 1 variant allele, 1 heterozygote.

Molecular Genetics Laboratory, London Health Sciences Centre
Classification: Likely benign for Charcot-Marie-Tooth disease. Review status: criteria provided, single submitter. Criteria: ACMG Guidelines, 2015. Collection method: clinical testing. Allele origin: germline. Affected: yes.

PreventionGenetics, part of Exact Sciences
Classification: Benign for SBF2-related condition. Last evaluated: 2019-08-31. Review status: no assertion criteria provided. Collection method: clinical testing. Allele origin: germline. Not counted in ClinVar's aggregate classification.
Comment: This variant is classified as benign based on ACMG/AMP sequence variant interpretation guidelines (Richards et al. 2015 PMID: 25741868, with internal and published modifications).

Practice for Gait Abnormalities, David Pomarino, Competency Network Toe Walking C/o Practice Pomarino
Classification: Likely pathogenic for Tip-toe gait. Review status: no assertion criteria provided. Collection method: clinical testing. Allele origin: germline. Affected: yes. Not counted in ClinVar's aggregate classification.
Comment: Hereditary motor sensory neuropathy (HMSN), also known as Charcot-Marie-Tooth Disease (CMT), is the most commonly inherited peripheral polyneuropathy. It constitutes a group of inherited, progressive, motor and sensory peripheral nerve disorders with properties of demyelination, axonal degeneration, or both. It is classified by clinical characteristics, modes of inheritance, electrophysiologic features, metabolic defects, and specific gene markers. Our patients all walk on tiptoe, so they show similar symptoms. When we genetically test them with our toe walking panel, we find that around 90 per cent of them have a genetic variant that explains their toe walking. These can be assigned, for example, to the area of myopathies (such as variants of the COL6A3 gene), the area of hereditary neuropathies (such as variants of the KMT2C gene) or the area of metabolic diseases (such as variants of the PYGM gene). In a smaller group of patients with almost identical symptoms, no abnormality is found in the genes of our panel, but spastic paraplegia can be detected. In another small group of our toe walkers, no abnormalities can be detected in the genes analysed in our toe walking panel, nor do they suffer from spastic paraplegia, as is also the case with healthy children. In contrast to these, however, they show a tiptoe gait. These patients suffer from infantile cerebral palsy, in which toe walking can also be observed.

Literature cited by the submitters: PubMed 37091313 (cited by Practice for Gait Abnormalities, David Pomarino, Competency Network Toe Walking C/o Practice Pomarino).

NM_030962.4(SBF2):c.5058A>T (p.Arg1686Ser)

Genes: SBF2 (SET binding factor 2; minus strand), SBF2-AS1 (SBF2 antisense RNA 1; plus strand), LOC105369149 (uncharacterized LOC105369149; plus strand). Cytogenetic location: 11p15.4.
Variant type: single nucleotide variant.
Coding change: c.5058A>T on transcript NM_030962.4 (MANE Select); coding-DNA position 5058, A replaced by T.
Protein change: p.Arg1686Ser; replaces arginine 1686 with serine.
Molecular consequence: missense variant.
Genome position (GRCh38, 1-based): chr11:9,785,298, T>A on the plus strand (A>T on the coding strand, the complement: SBF2 is on the minus strand). VCF-style: chr11-9785298-T-A. GRCh37 (hg19) VCF-style: chr11-9806845-T-A.
Other names: c.5154A>T, p.Arg1718Ser (NM_001386339.1); c.4929A>T, p.Arg1643Ser (NM_001386342.1); short protein forms R1686S, R1643S, R1718S.
Identifiers: ClinVar variation 220725 (VCV000220725.34), dbSNP rs146230559, ClinGen allele CA350400.
Genomic context (GRCh38, chr11:9,785,298, plus strand): 5'-GAGATGTAGCAGAGACCTCTTCTGATAGGAAGGTAGGTTGGTAGACACAATTCCTGGGGA[T>A]CTCGACAGGTGTCTTTGGGACTGAAAAAGACAGGACAGGAGCTAGGAAACCTTTACAGAC-3'
Protein context (NP_112224.1, residues 1676-1696): RTDRSQRHLS[Arg1686Ser]SPGIVSTNLP